The following is an entry in ClinVar:

NM_000444.6(PHEX):c.850-10_858del

Gene: PHEX (phosphate regulating endopeptidase X-linked; plus strand). Cytogenetic location: Xp22.11.
Variant type: Deletion.
Coding change: c.850-10_858del on transcript NM_000444.6 (MANE Select); 10 bases into the intron before coding-DNA position 850 through coding-DNA position 858, 19 bases deleted (TTTTCAACAGATAATGATT).
Molecular consequence: splice acceptor variant.
Genome position (GRCh38, 1-based): chrX:22,096,945-22,096,963, TTTTCAACAGATAATGATT deleted. VCF-style (leftmost placement, unchanged base first): chrX-22096944-CTTTTCAACAGATAATGATT-C. GRCh37 (hg19) VCF-style: chrX-22115062-CTTTTCAACAGATAATGATT-C.
Other names: c.850-10_858del (NM_001282754.2).
Identifiers: ClinVar variation 2118154 (VCV002118154.4), dbSNP rs2519775597, ClinGen allele CA2580100482.

ClinVar aggregate classification (germline): Likely pathogenic (1 of 4 stars; one submission).

Submission:

Labcorp Genetics (formerly Invitae), Labcorp
Classification: Likely pathogenic. Last evaluated: 2022-08-06. Review status: criteria provided, single submitter. Criteria: Invitae Variant Classification Sherloc (09022015). Collection method: clinical testing. Allele origin: germline.
Comment: In summary, the currently available evidence indicates that the variant is pathogenic, but additional data are needed to prove that conclusively. Therefore, this variant has been classified as Likely Pathogenic. Algorithms developed to predict the effect of sequence changes on RNA splicing suggest that this variant may disrupt the consensus splice site. This variant has been observed in individual(s) with hypophosphatemia (Invitae). This variant is not present in population databases (gnomAD no frequency). This variant results in the deletion of part of exon 8 (c.850-10_858del) of the PHEX gene. It is expected to disrupt RNA splicing. Variants that disrupt the donor or acceptor splice site typically lead to a loss of protein function (PMID: 16199547), and loss-of-function variants in PHEX are known to be pathogenic (PMID: 9097956, 9106524, 19219621).

Literature cited by the submitters: PubMed 16199547; PubMed 9097956; PubMed 9106524; PubMed 19219621.